The following is an entry in ClinVar:

NM_001563.4(IMPG1):c.2210G>T (p.Cys737Phe)

Gene: IMPG1 (interphotoreceptor matrix proteoglycan 1; minus strand). Cytogenetic location: 6q14.1.
Variant type: single nucleotide variant.
Coding change: c.2210G>T on transcript NM_001563.4 (MANE Select); coding-DNA position 2210, G replaced by T.
Protein change: p.Cys737Phe; replaces cysteine 737 with phenylalanine.
Molecular consequence: missense variant.
Genome position (GRCh38, 1-based): chr6:75,930,986, C>A on the plus strand (G>T on the coding strand, the complement: IMPG1 is on the minus strand). VCF-style: chr6-75930986-C-A. GRCh37 (hg19) VCF-style: chr6-76640703-C-A.
Other names: c.1976G>T, p.Cys659Phe (NM_001282368.2); c.2210G>T (NM_001563.2); short protein forms C659F, C737F.
Identifiers: ClinVar variation 1928857 (VCV001928857.6), dbSNP rs767981549, ClinGen allele CA3897902.

ClinVar aggregate classification (germline): Uncertain significance. Review status: criteria provided, multiple submitters, no conflicts (2 of 4 stars). 2 submissions from 2 submitters: Uncertain significance (2). Last evaluated 2025-08-20.

Allele frequency attached by ClinVar (database versions not stated): gnomAD exomes below 0.00001; ExAC 0.00001; TOPMed 0.00001.
gnomAD v4.1: 3 of 1,614,236 alleles (0.00019%); highest among the groups gnomAD compares: Admixed American, 0.0017%; no homozygotes.

Submissions (2):

Ambry Genetics
Classification: Uncertain significance. Last evaluated: 2025-08-20. Review status: criteria provided, single submitter. Criteria: Ambry Variant Classification Scheme 2023. Collection method: clinical testing. Allele origin: germline.

Labcorp Genetics (formerly Invitae), Labcorp
Classification: Uncertain significance. Last evaluated: 2024-05-01. Review status: criteria provided, single submitter. Criteria: Invitae Variant Classification Sherloc (09022015). Collection method: clinical testing. Allele origin: germline.
Comment: This sequence change replaces cysteine, which is neutral and slightly polar, with phenylalanine, which is neutral and non-polar, at codon 737 of the IMPG1 protein (p.Cys737Phe). This variant is present in population databases (rs767981549, gnomAD 0.003%). This variant has not been reported in the literature in individuals affected with IMPG1-related conditions. ClinVar contains an entry for this variant (Variation ID: 1928857). An algorithm developed to predict the effect of missense changes on protein structure and function (PolyPhen-2) suggests that this variant is likely to be disruptive. In summary, the available evidence is currently insufficient to determine the role of this variant in disease. Therefore, it has been classified as a Variant of Uncertain Significance.